The following is an entry in ClinVar:

ClinVar aggregate classification (germline): Uncertain significance (0 of 4 stars; one submission).

Conditions:
ACOX2-related disorder. Also called: ACOX2-related condition.

Submission:

PreventionGenetics, part of Exact Sciences
Classification: Uncertain significance for ACOX2-related condition. Last evaluated: 2024-08-16. Review status: no assertion criteria provided. Collection method: clinical testing. Allele origin: germline.
Comment: The ACOX2 c.1536G>T variant is predicted to result in the amino acid substitution p.Lys512Asn. To our knowledge, this variant has not been reported in the literature or in a large population database, indicating this variant is rare. At this time, the clinical significance of this variant is uncertain due to the absence of conclusive functional and genetic evidence.

NM_003500.4(ACOX2):c.1536G>T (p.Lys512Asn)

Gene: ACOX2 (acyl-CoA oxidase 2; minus strand). Cytogenetic location: 3p14.3.
Variant type: single nucleotide variant.
Coding change: c.1536G>T on transcript NM_003500.4 (MANE Select); coding-DNA position 1536, G replaced by T.
Protein change: p.Lys512Asn; replaces lysine 512 with asparagine.
Molecular consequence: missense variant.
Genome position (GRCh38, 1-based): chr3:58,522,592, C>A on the plus strand (G>T on the coding strand, the complement: ACOX2 is on the minus strand). VCF-style: chr3-58522592-C-A. GRCh37 (hg19) VCF-style: chr3-58508319-C-A.
Other names: short protein forms K512N.
Identifiers: ClinVar variation 3347455 (VCV003347455.1).